The following is an entry in ClinVar:

ClinVar aggregate classification (germline): Uncertain significance. Review status: criteria provided, multiple submitters, no conflicts (2 of 4 stars). 2 submissions from 2 submitters: Uncertain significance (2). Last evaluated 2025-08-02.

Conditions:
Inborn genetic diseases. Identifiers: MedGen C0950123, MeSH D030342.

Allele frequency attached by ClinVar (database versions not stated): gnomAD 0.00001; gnomAD exomes 0.00002; ExAC 0.00006.
gnomAD v4.1: 10 of 1,613,960 alleles (0.00062%); highest among the groups gnomAD compares: Non-Finnish European, 0.00085%; no homozygotes.

Submissions (2):

Ambry Genetics
Classification: Uncertain significance for Inborn genetic diseases. Last evaluated: 2025-08-02. Review status: criteria provided, single submitter. Criteria: Ambry Variant Classification Scheme 2023. Collection method: clinical testing. Allele origin: germline.

Labcorp Genetics (formerly Invitae), Labcorp
Classification: Uncertain significance. Last evaluated: 2022-03-07. Review status: criteria provided, single submitter. Criteria: Invitae Variant Classification Sherloc (09022015). Collection method: clinical testing. Allele origin: germline.
Comment: This sequence change replaces histidine, which is basic and polar, with glutamine, which is neutral and polar, at codon 939 of the AP3D1 protein (p.His939Gln). This variant is present in population databases (rs199976556, gnomAD 0.006%). This variant has not been reported in the literature in individuals affected with AP3D1-related conditions. Algorithms developed to predict the effect of missense changes on protein structure and function (SIFT, PolyPhen-2, Align-GVGD) all suggest that this variant is likely to be tolerated. In summary, the available evidence is currently insufficient to determine the role of this variant in disease. Therefore, it has been classified as a Variant of Uncertain Significance.

NM_001261826.3(AP3D1):c.2817C>A (p.His939Gln)

Gene: AP3D1 (adaptor related protein complex 3 subunit delta 1; minus strand). Cytogenetic location: 19p13.3.
Variant type: single nucleotide variant.
Coding change: c.2817C>A on transcript NM_001261826.3 (MANE Select); coding-DNA position 2817, C replaced by A.
Protein change: p.His939Gln; replaces histidine 939 with glutamine.
Molecular consequence: missense variant.
Genome position (GRCh38, 1-based): chr19:2,111,799, G>T on the plus strand (C>A on the coding strand, the complement: AP3D1 is on the minus strand). VCF-style: chr19-2111799-G-T. GRCh37 (hg19) VCF-style: chr19-2111798-G-T.
Other names: c.2781C>A, p.His927Gln (NM_001374799.1); c.2631C>A, p.His877Gln (NM_003938.8); c.2631C>A (NM_003938.5); short protein forms H939Q, H927Q, H877Q.
Identifiers: ClinVar variation 1435037 (VCV001435037.7), dbSNP rs199976556, ClinGen allele CA9058705.